The following is an entry in ClinVar:

NM_000156.6(GAMT):c.639G>A (p.Ala213=)

Gene: GAMT (guanidinoacetate N-methyltransferase; minus strand). Cytogenetic location: 19p13.3.
Variant type: single nucleotide variant.
Coding change: c.639G>A on transcript NM_000156.6 (MANE Select); coding-DNA position 639, G replaced by A.
Protein change: p.Ala213=; no amino-acid change (alanine 213 retained).
Molecular consequence: synonymous variant.
Genome position (GRCh38, 1-based): chr19:1,397,431, C>T on the plus strand (G>A on the coding strand, the complement: GAMT is on the minus strand). VCF-style: chr19-1397431-C-T. GRCh37 (hg19) VCF-style: chr19-1397430-C-T.
Identifiers: ClinVar variation 478018 (VCV000478018.20), dbSNP rs373479245, ClinGen allele CA9043546.

ClinVar aggregate classification (germline): Likely benign. Review status: criteria provided, multiple submitters, no conflicts (2 of 4 stars). 3 submissions from 3 submitters: Likely benign (2). 1 of the submissions does not count toward it. Last evaluated 2025-12-23.

Conditions:
GAMT-related disorder. Also called: GAMT-related condition.
Cerebral creatine deficiency syndrome. Also called: Creatine deficiency syndromes. Identifiers: Orphanet 79172, MedGen C5244016, MONDO:0000456.

Allele frequency attached by ClinVar (database versions not stated): gnomAD 0.00001 and 0.00003; gnomAD exomes 0.00003 and 0.00004; TOPMed 0.00003; ExAC 0.00005; ESP Exome Variant Server 0.00008.
gnomAD v4.1: 61 of 1,611,196 alleles (0.0038%); highest among the groups gnomAD compares: South Asian, 0.011%; no homozygotes.

Submissions (3):

Labcorp Genetics (formerly Invitae), Labcorp
Classification: Likely benign for Cerebral creatine deficiency syndrome. Last evaluated: 2025-12-23. Review status: criteria provided, single submitter. Criteria: Invitae Variant Classification Sherloc (09022015). Collection method: clinical testing. Allele origin: germline.

CeGaT Center for Human Genetics Tuebingen
Classification: Likely benign. Last evaluated: 2025-10-01. Review status: criteria provided, single submitter. Criteria: CeGaT Center For Human Genetics Tuebingen Variant Classification Criteria Version 2. Collection method: clinical testing. Allele origin: germline. Affected: yes. Observed: 1 variant allele.
Comment: GAMT: BP4, BP7

PreventionGenetics, part of Exact Sciences
Classification: Likely benign for GAMT-related condition. Last evaluated: 2019-04-25. Review status: no assertion criteria provided. Collection method: clinical testing. Allele origin: germline. Not counted in ClinVar's aggregate classification.
Comment: This variant is classified as likely benign based on ACMG/AMP sequence variant interpretation guidelines (Richards et al. 2015 PMID: 25741868, with internal and published modifications).